The following is an entry in ClinVar:

NM_007294.4(BRCA1):c.1016A>C (p.Lys339Thr)

Gene: BRCA1 (BRCA1 DNA repair associated; minus strand). Cytogenetic location: 17q21.31.
Variant type: single nucleotide variant.
Coding change: c.1016A>C on transcript NM_007294.4 (MANE Select); coding-DNA position 1016, A replaced by C.
Protein change: p.Lys339Thr; replaces lysine 339 with threonine.
Molecular consequence: missense variant. On other transcripts: intron variant (137).
Genome position (GRCh38, 1-based): chr17:43,094,515, T>G on the plus strand (A>C on the coding strand, the complement: BRCA1 is on the minus strand). VCF-style: chr17-43094515-T-G. GRCh37 (hg19) VCF-style: chr17-41246532-T-G.
Other names: p.K339T:AAG>ACG; c.1016A>C, p.Lys339Thr (NM_001407618.1, NM_001407619.1, NM_001407622.1 and 30 more transcripts); c.667+1331A>C (NM_001408421.1, NM_001408431.1, NM_001408424.1); c.784+229A>C (NM_001407991.1, NM_001408397.1, NM_001408401.1 and 13 more transcripts); c.646+229A>C (NM_001408460.1, NM_001408454.1, NM_001408458.1 and 11 more transcripts); c.586+229A>C (NM_001408476.1, NM_001408474.1); c.875A>C, p.Lys292Thr (NM_001407851.1, NM_001407850.1, NM_001407692.1 and 29 more transcripts); c.872A>C, p.Lys291Thr (NM_001407848.1, NM_001407849.1, NM_001407847.1 and 20 more transcripts); and 41 more; short protein forms K339T, K292T, K212T, K250T, K251T, K268T, K272T, K336T.
Identifiers: ClinVar variation 141428 (VCV000141428.39), dbSNP rs587781737, ClinGen allele CA000687.

ClinVar aggregate classification (germline): Conflicting classifications of pathogenicity. Review status: criteria provided, conflicting classifications (1 of 4 stars). 8 submissions from 8 submitters: Uncertain significance (7); Likely benign (1). Last evaluated 2025-12-19.

Conditions:
BRCA1-related cancer predisposition. Identifiers: MedGen CN377757, MONDO:0700268.
Hereditary cancer-predisposing syndrome. Also called: Neoplastic Syndromes, Hereditary; Tumor predisposition; Hereditary Cancer Syndrome; Hereditary neoplastic syndrome. Identifiers: Orphanet 140162, MedGen C0027672, MeSH D009386, MONDO:0015356.
Hereditary breast ovarian cancer syndrome. Also called: Breast and ovarian cancer; Hereditary breast and ovarian cancer; Hereditary breast and/or ovarian cancer syndrome; BRCA1- and BRCA2-Associated Hereditary Breast and Ovarian Cancer; Hereditary breast and ovarian cancer syndrome; Hereditary breast and ovarian cancer syndrome (HBOC). Identifiers: Orphanet 145, MedGen C0677776, MeSH D061325, MONDO:0003582. Disease mechanism: loss of function.

Allele frequency attached by ClinVar (database versions not stated): gnomAD 0.00004 and 0.00005.
gnomAD v4.1: 7 of 1,613,864 alleles (0.00043%); highest among the groups gnomAD compares: African/African-American, 0.0093%; no homozygotes.

Submissions (8):

Labcorp Genetics (formerly Invitae), Labcorp
Classification: Uncertain significance for Hereditary breast ovarian cancer syndrome. Last evaluated: 2025-12-19. Review status: criteria provided, single submitter. Criteria: Invitae Variant Classification Sherloc (09022015). Collection method: clinical testing. Allele origin: germline.
Comment: This sequence change replaces lysine, which is basic and polar, with threonine, which is neutral and polar, at codon 339 of the BRCA1 protein (p.Lys339Thr). This variant is present in population databases (rs587781737, gnomAD 0.02%). This missense change has been observed in individual(s) with personal and/or family history of breast or ovarian cancer (PMID: 21318380, 25186627, 29168416). ClinVar contains an entry for this variant (Variation ID: 141428). Invitae Evidence Modeling of protein sequence and biophysical properties (such as structural, functional, and spatial information, amino acid conservation, physicochemical variation, residue mobility, and thermodynamic stability) indicates that this missense variant is not expected to disrupt BRCA1 protein function with a negative predictive value of 80%. In summary, the available evidence is currently insufficient to determine the role of this variant in disease. Therefore, it has been classified as a Variant of Uncertain Significance.

Women's Health and Genetics/Laboratory Corporation of America, LabCorp
Classification: Uncertain significance. Last evaluated: 2025-12-04. Review status: criteria provided, single submitter. Criteria: LabCorp Variant Classification Summary - May 2015. Collection method: clinical testing. Allele origin: germline.
Comment: Variant summary: BRCA1 c.1016A>C (p.Lys339Thr) results in a non-conservative amino acid change in the encoded protein sequence. Algorithms developed to predict the effect of missense changes on protein structure and function are either unavailable or do not agree on the potential impact of this missense change. The variant was absent in 251624 control chromosomes (gnomAD). The available data on variant occurrences in the general population are insufficient to allow any conclusion about variant significance. c.1016A>C has been in the literature as a VUS in settings of multigene panel testing among individuals affected with breast cancer (e.g. Hansen_2011, Tung_2015). These reports do not provide unequivocal conclusions about association of the variant with Hereditary Breast And Ovarian Cancer Syndrome. To our knowledge, no experimental evidence demonstrating an impact on protein function has been reported. The following publications have been ascertained in the context of this evaluation (PMID: 21318380, 25186627). ClinVar contains an entry for this variant (Variation ID: 141428). Based on the evidence outlined above, the variant was classified as uncertain significance.

GeneDx
Classification: Uncertain significance. Last evaluated: 2025-04-28. Review status: criteria provided, single submitter. Criteria: GeneDx Variant Classification Process June 2021. Collection method: clinical testing. Allele origin: germline. Affected: yes.
Comment: In silico analysis supports that this missense variant has a deleterious effect on protein structure/function; Also known as 1135A>C; This variant is associated with the following publications: (PMID: 21318380, 11521194, 9582019, 9926942, 15343273, 20215511, 29168416, 25186627)

Quest Diagnostics Nichols Institute San Juan Capistrano
Classification: Uncertain significance. Last evaluated: 2025-02-28. Review status: criteria provided, single submitter. Criteria: Quest Diagnostics criteria. Collection method: clinical testing. Allele origin: unknown.
Comment: The BRCA1 c.1016A>C (p.Lys339Thr) variant has been reported in the published literature in individuals with breast cancer (PMID: 25186627 (2015), 21318380 (2011)), and described to be located in a region of the BRCA gene that is tolerant to missense sequence changes (PMID: 31911673 (2020)). The frequency of this variant in the general population (Genome Aggregation Database) is uninformative in the assessment of its pathogenicity. Analysis of this variant using bioinformatics tools for the prediction of the effect of amino acid changes on protein structure and function yielded conflicting predictions that this variant is benign or damaging. Based on the available information, we are unable to determine the clinical significance of this variant.

Ambry Genetics
Classification: Uncertain significance for Hereditary cancer-predisposing syndrome. Last evaluated: 2024-07-25. Review status: criteria provided, single submitter. Criteria: Ambry Variant Classification Scheme 2023. Collection method: clinical testing. Allele origin: germline.
Comment: The p.K339T variant (also known as c.1016A>C), located in coding exon 9 of the BRCA1 gene, results from an A to C substitution at nucleotide position 1016. The lysine at codon 339 is replaced by threonine, an amino acid with similar properties. This alteration has been reported in a cohort of 1331 breast/ovarian cancer families (Hansen TV et al. Fam Cancer, 2011 Jun;10:207-12). This variant was also observed in an individual with early onset-breast cancer amongst a cohort of 1781 non-Ashkenazi Jewish individuals undergoing BRCA1/2 gene testing based on a personal history of breast cancer (Tung N et al. Cancer, 2015 Jan;121:25-33).This amino acid position is not well conserved in available vertebrate species. In addition, the in silico prediction for this alteration is inconclusive. Based on the available evidence, the clinical significance of this variant remains unclear.

All of Us Research Program, National Institutes of Health
Classification: Uncertain significance for BRCA1-related cancer predisposition. Last evaluated: 2024-03-05. Review status: criteria provided, single submitter. Criteria: ACMG Guidelines, 2015. Collection method: clinical testing. Allele origin: germline. Inheritance: Autosomal dominant inheritance. Observed: 1 variant allele, 1 heterozygote.
Comment: This study involves interpretation of variants in research participants for the purpose of population health screening. Participant phenotype was not available at the time of variant classification. Additional details can be found in publication PMID: 35346344, PMCID: PMC8962531

University of Washington Department of Laboratory Medicine, University of Washington
Classification: Likely benign for Hereditary cancer-predisposing syndrome. Last evaluated: 2023-03-23. Review status: criteria provided, single submitter. Criteria: Dines et al. (Genet Med. 2020). Collection method: curation. Allele origin: germline.
Comment: Missense variant in a coldspot region where missense variants are very unlikely to be pathogenic (PMID:31911673).

BRCA1 coldspot (exon 11 using historical exon numbering). Reclassification based on statistical prior probability

Color Diagnostics, LLC DBA Color Health
Classification: Uncertain significance for Hereditary cancer-predisposing syndrome. Last evaluated: 2019-04-07. Review status: criteria provided, single submitter. Criteria: ACMG Guidelines, 2015. Collection method: clinical testing. Allele origin: germline.

Literature cited by the submitters: PubMed 21318380 (cited by 4 submitters); PubMed 25186627 (cited by 4 submitters); PubMed 29168416 (cited by Labcorp Genetics (formerly Invitae), Labcorp and Quest Diagnostics Nichols Institute San Juan Capistrano); PubMed 31911673 (cited by Quest Diagnostics Nichols Institute San Juan Capistrano).